The following is an entry in ClinVar:

ClinVar aggregate classification (germline): Likely benign (1 of 4 stars; one submission).

Conditions:
PIGN-related disorder. Also called: PIGN-related condition.

Submission:

PreventionGenetics, part of Exact Sciences
Classification: Likely benign for PIGN-related condition. Last evaluated: 2026-09-21. Review status: criteria provided, single submitter. Criteria: ACMG Guidelines, 2015. Collection method: clinical testing. Allele origin: germline.
Comment: This variant is classified as likely benign based on ACMG/AMP sequence variant interpretation guidelines (Richards et al. 2015 PMID: 25741868, with internal and published modifications).

NM_176787.5(PIGN):c.2139A>C (p.Ile713=)

Gene: PIGN (phosphatidylinositol glycan anchor biosynthesis class N; minus strand). Cytogenetic location: 18q21.33.
Variant type: single nucleotide variant.
Coding change: c.2139A>C on transcript NM_176787.5 (MANE Select); coding-DNA position 2139, A replaced by C.
Protein change: p.Ile713=; no amino-acid change (isoleucine 713 retained).
Molecular consequence: synonymous variant.
Genome position (GRCh38, 1-based): chr18:62,095,889, T>G on the plus strand (A>C on the coding strand, the complement: PIGN is on the minus strand). VCF-style: chr18-62095889-T-G. GRCh37 (hg19) VCF-style: chr18-59763122-T-G.
Other names: c.2139A>C, p.Ile713= (NM_001438896.1, NM_001438904.1, NM_001438905.1 and 1 more transcripts); c.1737A>C, p.Ile579= (NM_001438910.1).
Identifiers: ClinVar variation 4982209 (VCV004982209.1).